The following is an entry in ClinVar:

ClinVar aggregate classification (germline): Uncertain significance (1 of 4 stars; one submission).

Allele frequency attached by ClinVar (database versions not stated): TOPMed 0.00001; gnomAD 0.00002 and 0.00003; gnomAD exomes 0.00002.
gnomAD v4.1: 38 of 1,614,052 alleles (0.0024%); highest among the groups gnomAD compares: East Asian, 0.058%; no homozygotes.

Submission:

Labcorp Genetics (formerly Invitae), Labcorp
Classification: Uncertain significance. Last evaluated: 2024-03-31. Review status: criteria provided, single submitter. Criteria: Invitae Variant Classification Sherloc (09022015). Collection method: clinical testing. Allele origin: germline.
Comment: This sequence change replaces alanine, which is neutral and non-polar, with threonine, which is neutral and polar, at codon 667 of the ANKZF1 protein (p.Ala667Thr). This variant is present in population databases (no rsID available, gnomAD 0.003%). This variant has not been reported in the literature in individuals affected with ANKZF1-related conditions. ClinVar contains an entry for this variant (Variation ID: 1475120). Algorithms developed to predict the effect of missense changes on protein structure and function output the following: SIFT: "Not Available"; PolyPhen-2: "Probably Damaging"; Align-GVGD: "Not Available". The threonine amino acid residue is found in multiple mammalian species, which suggests that this missense change does not adversely affect protein function. In summary, the available evidence is currently insufficient to determine the role of this variant in disease. Therefore, it has been classified as a Variant of Uncertain Significance.

NM_018089.3(ANKZF1):c.1999G>A (p.Ala667Thr)

Gene: ANKZF1 (ankyrin repeat and zinc finger peptidyl tRNA hydrolase 1; plus strand). Cytogenetic location: 2q35.
Variant type: single nucleotide variant.
Coding change: c.1999G>A on transcript NM_018089.3 (MANE Select); coding-DNA position 1999, G replaced by A.
Protein change: p.Ala667Thr; replaces alanine 667 with threonine.
Molecular consequence: missense variant.
Genome position (GRCh38, 1-based): chr2:219,236,037, G>A. VCF-style: chr2-219236037-G-A. GRCh37 (hg19) VCF-style: chr2-220100759-G-A.
Other names: c.1999G>A, p.Ala667Thr (NM_001042410.2); c.1369G>A, p.Ala457Thr (NM_001282792.2); short protein forms A667T, A457T.
Identifiers: ClinVar variation 1475120 (VCV001475120.8), dbSNP rs1324609527, ClinGen allele CA350688620.